The following is an entry in ClinVar:

ClinVar aggregate classification (germline): Pathogenic (1 of 4 stars; one submission).

gnomAD v4.1: 3 of 1,613,784 alleles (0.00019%); highest among the groups gnomAD compares: Non-Finnish European, 0.00017%; no homozygotes.

Submission:

GeneDx
Classification: Pathogenic. Last evaluated: 2026-02-26. Review status: criteria provided, single submitter. Criteria: GeneDx Variant Classification Process June 2021. Collection method: clinical testing. Allele origin: germline.
Comment: Identified in patients with hypobetalipoproteinemia in published literature (PMID: 40367726, 33207932); RNA studies demonstrate a damaging effect: a complete splice impact, leading to an in-frame premature stop codon and severe protein truncation (PMID: 40367726); In silico analysis supports a deleterious effect on splicing; Not observed at significant frequency in large population cohorts (gnomAD); This variant is associated with the following publications: (PMID: 40367726, 33207932)

NM_000384.3(APOB):c.694-13A>G

Gene: APOB (apolipoprotein B; minus strand). Cytogenetic location: 2p24.1.
Variant type: single nucleotide variant.
Coding change: c.694-13A>G on transcript NM_000384.3 (MANE Select); 13 bases into the intron before coding-DNA position 694, A replaced by G.
Molecular consequence: intron variant.
Genome position (GRCh38, 1-based): chr2:21,035,721, T>C on the plus strand (A>G on the coding strand, the complement: APOB is on the minus strand). VCF-style: chr2-21035721-T-C. GRCh37 (hg19) VCF-style: chr2-21258593-T-C.
Identifiers: ClinVar variation 4888099 (VCV004888099.1).
Genomic context (GRCh38, chr2:21,035,721, plus strand): 5'-GTACTGACAGGACTGGCTGCTGCTGATCAGAGTTGACAAGGGGCGGGTCTATGAAAGAGA[T>C]TGGAGACGAGCATTTTGATCAGTCCCTGTATCTTCTGTTAAAAGCATTTACCTTCAAGGT-3'